The following is an entry in ClinVar:

ClinVar aggregate classification (germline): Uncertain significance (1 of 4 stars; one submission).

Conditions:
Combined immunodeficiency due to LRBA deficiency. Also called: Common variable immunodeficiency 8, with autoimmunity. Identifiers: Orphanet 445018, MedGen C3553512, MONDO:0013863, OMIM 614700.

Allele frequency attached by ClinVar (database versions not stated): TOPMed below 0.00001; gnomAD 0.00001; ExAC 0.00002; gnomAD exomes 0.00002.
gnomAD v4.1: 7 of 1,614,042 alleles (0.00043%); highest among the groups gnomAD compares: Admixed American, 0.01%; no homozygotes.

Submission:

Labcorp Genetics (formerly Invitae), Labcorp
Classification: Uncertain significance for Combined immunodeficiency due to LRBA deficiency. Last evaluated: 2023-07-28. Review status: criteria provided, single submitter. Criteria: Invitae Variant Classification Sherloc (09022015). Collection method: clinical testing. Allele origin: germline.
Comment: Advanced modeling of protein sequence and biophysical properties (such as structural, functional, and spatial information, amino acid conservation, physicochemical variation, residue mobility, and thermodynamic stability) performed at Invitae indicates that this missense variant is not expected to disrupt LRBA protein function. In summary, the available evidence is currently insufficient to determine the role of this variant in disease. Therefore, it has been classified as a Variant of Uncertain Significance. ClinVar contains an entry for this variant (Variation ID: 1035598). This sequence change replaces valine, which is neutral and non-polar, with alanine, which is neutral and non-polar, at codon 131 of the LRBA protein (p.Val131Ala). This variant is present in population databases (rs770434240, gnomAD 0.01%). This variant has not been reported in the literature in individuals affected with LRBA-related conditions.

NM_001364905.1(LRBA):c.392T>C (p.Val131Ala)

Gene: LRBA (LPS responsive beige-like anchor protein; minus strand). Cytogenetic location: 4q31.3.
Variant type: single nucleotide variant.
Coding change: c.392T>C on transcript NM_001364905.1 (MANE Select); coding-DNA position 392, T replaced by C.
Protein change: p.Val131Ala; replaces valine 131 with alanine.
Molecular consequence: missense variant.
Genome position (GRCh38, 1-based): chr4:150,928,890, A>G on the plus strand (T>C on the coding strand, the complement: LRBA is on the minus strand). VCF-style: chr4-150928890-A-G. GRCh37 (hg19) VCF-style: chr4-151850042-A-G.
Other names: c.392T>C, p.Val131Ala (NM_001199282.3, NM_001367550.1, NM_006726.5); short protein forms V131A.
Identifiers: ClinVar variation 1035598 (VCV001035598.8), dbSNP rs770434240, ClinGen allele CA3103891.